The following is an entry in ClinVar:

ClinVar aggregate classification (germline): Likely pathogenic. Review status: criteria provided, multiple submitters, no conflicts (2 of 4 stars). 3 submissions from 3 submitters: Likely pathogenic (3). Last evaluated 2023-05-02.

Conditions:
Cerebellar atrophy, visual impairment, and psychomotor retardation;. Also called: Cerebellar atrophy, visual impairment, and psychomotor retardation. Identifiers: MedGen C4225172, MONDO:0014811, OMIM 616875.

Allele frequency attached by ClinVar (database versions not stated): TOPMed 0.00002.
gnomAD v4.1: 23 of 1,614,012 alleles (0.0014%); highest among the groups gnomAD compares: African/African-American, 0.0027%; no homozygotes.

Submissions (3):

Broad Center for Mendelian Genomics, Broad Institute of MIT and Harvard
Classification: Likely pathogenic for Cerebellar atrophy, visual impairment, and psychomotor retardation;. Last evaluated: 2023-05-02. Review status: criteria provided, single submitter. Criteria: ACMG Guidelines, 2015. Collection method: curation. Allele origin: germline. Inheritance: Autosomal recessive inheritance.
Comment: Trio genome analysis revealed that this variant was in trans with a variant of uncertain significance (dbSNP ID: rs1448410617). The c.287-1G>A variant in EMC1 has not been previously reported in individuals with cerebellar atrophy, visual impairment, and psychomotor retardation but has been identified in 0.005% (2/41452) of African/American chromosomes by the Genome Aggregation Database (gnomAD; dbSNP ID: rs751484278). Although this variant has been seen in the general population in a heterozygous state, its frequency is low enough to be consistent with a recessive carrier frequency. This variant has also been reported in ClinVar (Variation ID: 445564) and has been interpreted as likely pathogenic by Children's Mercy Hospital and Clinics Center for Pediatric Genomic Medicine. This variant is located in the 3' splice region. Computational tools predict a splicing impact, though this information is not predictive enough to determine pathogenicity. A different nucleotide change that also results in a splice acceptor variant at the same site, c.287-1G>T, has been previously reported likely pathogenic in ClinVar (Variation ID: 972296), and the variant being assessed here, c.287-1G>A, is predicted by SpliceAI to have a similar effect on splicing. Loss of function of the EMC1 gene is strongly associated to autosomal recessive cerebellar atrophy, visual impairment, and psychomotor retardation. In summary, although additional studies are required to fully establish its clinical significance, this variant is likely pathogenic for autosomal recessive cerebellar atrophy, visual impairment, and psychomotor retardation. ACMG/AMP Criteria applied: PVS1_Strong, PS1_Supporting, PM2_Supporting (Richards 2015).

Labcorp Genetics (formerly Invitae), Labcorp
Classification: Likely pathogenic. Last evaluated: 2022-11-22. Review status: criteria provided, single submitter. Criteria: Invitae Variant Classification Sherloc (09022015). Collection method: clinical testing. Allele origin: germline.
Comment: ClinVar contains an entry for this variant (Variation ID: 445564). Algorithms developed to predict the effect of sequence changes on RNA splicing suggest that this variant may disrupt the consensus splice site. In summary, the currently available evidence indicates that the variant is pathogenic, but additional data are needed to prove that conclusively. Therefore, this variant has been classified as Likely Pathogenic. This sequence change affects an acceptor splice site in intron 3 of the EMC1 gene. It is expected to disrupt RNA splicing. Variants that disrupt the donor or acceptor splice site typically lead to a loss of protein function (PMID: 16199547), and loss-of-function variants in EMC1 are known to be pathogenic (PMID: 26572623, 26942288, 29271071). This variant is present in population databases (no rsID available, gnomAD 0.0009%). This variant has not been reported in the literature in individuals affected with EMC1-related conditions.

Center for Pediatric Genomic Medicine, Children's Mercy Hospital and Clinics
Classification: Likely pathogenic. Last evaluated: 2017-05-02. Review status: criteria provided, single submitter. Criteria: ACMG Guidelines, 2015. Collection method: clinical testing. Allele origin: germline.

Literature cited by the submitters: PubMed 16199547 (cited by Labcorp Genetics (formerly Invitae), Labcorp); PubMed 26572623 (cited by Labcorp Genetics (formerly Invitae), Labcorp); PubMed 26942288 (cited by Labcorp Genetics (formerly Invitae), Labcorp); PubMed 29271071 (cited by Labcorp Genetics (formerly Invitae), Labcorp).

NM_015047.3(EMC1):c.287-1G>A

Gene: EMC1 (ER membrane protein complex subunit 1; minus strand). Cytogenetic location: 1p36.13.
Variant type: single nucleotide variant.
Coding change: c.287-1G>A on transcript NM_015047.3 (MANE Select); the canonical splice acceptor site of the intron before coding-DNA position 287, G replaced by A.
Molecular consequence: splice acceptor variant.
Genome position (GRCh38, 1-based): chr1:19,243,708, C>T on the plus strand (G>A on the coding strand, the complement: EMC1 is on the minus strand). VCF-style: chr1-19243708-C-T. GRCh37 (hg19) VCF-style: chr1-19570202-C-T.
Other names: c.221-1G>A (NM_001271429.2); c.287-1G>A (NM_001271427.2, NM_001375821.1, NM_001271428.2 and 1 more transcripts).
Identifiers: ClinVar variation 445564 (VCV000445564.6), dbSNP rs751484278, ClinGen allele CA338772605.